The following is an entry in ClinVar:

NM_004817.4(TJP2):c.2157T>A (p.Tyr719Ter)

Gene: TJP2 (tight junction protein 2; plus strand). Cytogenetic location: 9q21.11.
Variant type: single nucleotide variant.
Coding change: c.2157T>A on transcript NM_004817.4 (MANE Select); coding-DNA position 2157, T replaced by A.
Protein change: p.Tyr719Ter; replaces tyrosine 719 with a stop codon.
Molecular consequence: nonsense.
Genome position (GRCh38, 1-based): chr9:69,237,114, T>A. VCF-style: chr9-69237114-T-A. GRCh37 (hg19) VCF-style: chr9-71852030-T-A.
Other names: c.2169T>A, p.Tyr723Ter (NM_001369874.1, NM_001369875.1, NM_001170415.1); c.2157T>A, p.Tyr719Ter (NM_201629.3, NM_001369872.1, NM_001369873.1); c.2088T>A, p.Tyr696Ter (NM_001170414.2, NM_001369871.1); c.2250T>A, p.Tyr750Ter (NM_001170416.2); c.2082T>A, p.Tyr694Ter (NM_001369870.1); short protein forms Y696*, Y694*, Y719*, Y750*, Y723*.
Identifiers: ClinVar variation 4996540 (VCV004996540.1).

ClinVar aggregate classification (germline): Likely pathogenic (1 of 4 stars; one submission).

Conditions:
TJP2-related disorder. Also called: TJP2-related condition.

Submission:

PreventionGenetics, part of Exact Sciences
Classification: Likely pathogenic for TJP2-related condition. Last evaluated: 2026-09-21. Review status: criteria provided, single submitter. Criteria: ACMG Guidelines, 2015. Collection method: clinical testing. Allele origin: germline.
Comment: The TJP2 c.2157T>A variant is predicted to result in premature protein termination (p.Tyr719*). To our knowledge, this variant has not been reported in the literature or in a large population database (gnomAD), indicating this variant is rare. Nonsense variants in TJP2 are expected to be pathogenic. This variant is interpreted as likely pathogenic.